The following is an entry in ClinVar:

ClinVar aggregate classification (germline): Uncertain significance (1 of 4 stars; one submission).

Submission:

GeneDx
Classification: Uncertain significance. Last evaluated: 2024-05-08. Review status: criteria provided, single submitter. Criteria: GeneDx Variant Classification Process June 2021. Collection method: clinical testing. Allele origin: germline. Affected: yes.
Comment: Not observed at significant frequency in large population cohorts (gnomAD); Nonsense variant predicted to result in protein truncation or nonsense mediated decay in a gene for which loss-of-function is not a known mechanism of disease; Has not been previously published as pathogenic or benign to our knowledge

NM_002709.3(PPP1CB):c.421C>T (p.Arg141Ter)

Gene: PPP1CB (protein phosphatase 1 catalytic subunit beta; plus strand). Cytogenetic location: 2p23.2.
Variant type: single nucleotide variant.
Coding change: c.421C>T on transcript NM_002709.3 (MANE Select); coding-DNA position 421, C replaced by T.
Protein change: p.Arg141Ter; replaces arginine 141 with a stop codon.
Molecular consequence: nonsense.
Genome position (GRCh38, 1-based): chr2:28,781,743, C>T. VCF-style: chr2-28781743-C-T. GRCh37 (hg19) VCF-style: chr2-29004609-C-T.
Other names: c.421C>T, p.Arg141Ter (NM_206876.2); short protein forms R141*.
Identifiers: ClinVar variation 3375535 (VCV003375535.1).
Genomic context (GRCh38, chr2:28,781,743, plus strand): 5'-AACTGATGAGAACAGTTTTAGATTTTTTAATTTATTCTATCTGTTCTTTTTACAGGCAAA[C>T]GAAGATTTAATATTAAATTGTGGAAGACCTTCACTGATTGTTTTAACTGTCTGCCTATAG-3'